The following is an entry in ClinVar:

ClinVar aggregate classification (germline): Uncertain significance (1 of 4 stars; one submission).

gnomAD v4.1: 8 of 1,614,028 alleles (0.0005%); highest among the groups gnomAD compares: East Asian, 0.016%; no homozygotes.

Submission:

GeneDx
Classification: Uncertain significance. Last evaluated: 2023-10-27. Review status: criteria provided, single submitter. Criteria: GeneDx Variant Classification Process June 2021. Collection method: clinical testing. Allele origin: germline. Affected: yes.
Comment: In silico analysis supports that this variant does not alter splicing; Has not been previously published as pathogenic or benign to our knowledge

NM_018838.5(NDUFA12):c.432C>T (p.Tyr144=)

Gene: NDUFA12 (NADH:ubiquinone oxidoreductase subunit A12; minus strand). Cytogenetic location: 12q22.
Variant type: single nucleotide variant.
Coding change: c.432C>T on transcript NM_018838.5 (MANE Select); coding-DNA position 432, C replaced by T.
Protein change: p.Tyr144=; no amino-acid change (tyrosine 144 retained).
Molecular consequence: synonymous variant. On other transcripts: 3 prime UTR variant (1).
Genome position (GRCh38, 1-based): chr12:94,971,446, G>A on the plus strand (C>T on the coding strand, the complement: NDUFA12 is on the minus strand). VCF-style: chr12-94971446-G-A. GRCh37 (hg19) VCF-style: chr12-95365222-G-A.
Other names: c.*152C>T (NM_001258338.2).
Identifiers: ClinVar variation 3363282 (VCV003363282.1).